The following is an entry in ClinVar:

NM_001130438.3(SPTAN1):c.5039C>G (p.Ser1680Cys)

Gene: SPTAN1 (spectrin alpha, non-erythrocytic 1; plus strand). Cytogenetic location: 9q34.11.
Variant type: single nucleotide variant.
Coding change: c.5039C>G on transcript NM_001130438.3 (MANE Select); coding-DNA position 5039, C replaced by G.
Protein change: p.Ser1680Cys; replaces serine 1680 with cysteine.
Molecular consequence: missense variant.
Genome position (GRCh38, 1-based): chr9:128,612,242, C>G. VCF-style: chr9-128612242-C-G. GRCh37 (hg19) VCF-style: chr9-131374521-C-G.
Other names: c.5039C>G (NM_001130438.2); c.4964C>G, p.Ser1655Cys (NM_001195532.2); c.5039C>G, p.Ser1680Cys (NM_001363759.2, NM_001375310.1, NM_001375311.2 and 1 more transcripts); c.4979C>G, p.Ser1660Cys (NM_001363765.2, NM_001375314.2); c.5075C>G, p.Ser1692Cys (NM_001375312.2, NM_001375318.1); c.5024C>G, p.Ser1675Cys (NM_003127.4); short protein forms S1660C, S1655C, S1692C, S1675C, S1680C.
Identifiers: ClinVar variation 1427019 (VCV001427019.8), dbSNP rs1251494639, ClinGen allele CA375071483.

ClinVar aggregate classification (germline): Uncertain significance. Review status: criteria provided, multiple submitters, no conflicts (2 of 4 stars). 2 submissions from 2 submitters: Uncertain significance (2). Last evaluated 2024-10-31.

Conditions:
Inborn genetic diseases. Identifiers: MedGen C0950123, MeSH D030342.
Early-infantile DEE. Also called: Ohtahara syndrome; Early infantile epileptic encephalopathy with suppression bursts; Early infantile epileptic encephalopathy. Identifiers: Orphanet 1934, MedGen C0393706, MONDO:0800491.

Allele frequency attached by ClinVar (database versions not stated): gnomAD 0.00001.
gnomAD v4.1: 5 of 1,614,046 alleles (0.00031%); highest among the groups gnomAD compares: African/African-American, 0.004%; no homozygotes.

Submissions (2):

Labcorp Genetics (formerly Invitae), Labcorp
Classification: Uncertain significance for Early-infantile DEE. Last evaluated: 2024-10-31. Review status: criteria provided, single submitter. Criteria: Invitae Variant Classification Sherloc (09022015). Collection method: clinical testing. Allele origin: germline.
Comment: This sequence change replaces serine, which is neutral and polar, with cysteine, which is neutral and slightly polar, at codon 1680 of the SPTAN1 protein (p.Ser1680Cys). This variant is present in population databases (no rsID available, gnomAD 0.01%). This variant has not been reported in the literature in individuals affected with SPTAN1-related conditions. ClinVar contains an entry for this variant (Variation ID: 1427019). Invitae Evidence Modeling of protein sequence and biophysical properties (such as structural, functional, and spatial information, amino acid conservation, physicochemical variation, residue mobility, and thermodynamic stability) has been performed for this missense variant. However, the output from this modeling did not meet the statistical confidence thresholds required to predict the impact of this variant on SPTAN1 protein function. In summary, the available evidence is currently insufficient to determine the role of this variant in disease. Therefore, it has been classified as a Variant of Uncertain Significance.

Ambry Genetics
Classification: Uncertain significance for Inborn genetic diseases. Last evaluated: 2023-02-15. Review status: criteria provided, single submitter. Criteria: Ambry Variant Classification Scheme 2023. Collection method: clinical testing. Allele origin: germline.